The following is an entry in ClinVar:

ClinVar aggregate classification (germline): Uncertain significance (1 of 4 stars; one submission).

Conditions:
Inborn genetic diseases. Identifiers: MedGen C0950123, MeSH D030342.

Submission:

Ambry Genetics
Classification: Uncertain significance for Inborn genetic diseases. Last evaluated: 2025-01-20. Review status: criteria provided, single submitter. Criteria: Ambry Variant Classification Scheme 2023. Collection method: clinical testing. Allele origin: germline.
Comment: The c.1854+30_1854+32delGGG intronic variant begins 30 nucleotides after coding exon 11 in the SIN3A gene. This variant results from a deletion of 3 nucleotides at positions c.1854+30 to c.1854+32. This variant was not reported in population-based cohorts in the Genome Aggregation Database (gnomAD). This nucleotide position is not well conserved in available vertebrate species. In silico splice site analysis predicts that this alteration will weaken the native splice donor site. Based on insufficient or conflicting evidence, the clinical significance of this alteration remains unclear.

NM_001145358.2(SIN3A):c.1854+30_1854+32del

Gene: SIN3A (SIN3 transcription regulator family member A; minus strand). Cytogenetic location: 15q24.2.
Variant type: Deletion.
Coding change: c.1854+30_1854+32del on transcript NM_001145358.2 (MANE Select); bases 30 to 32 of the intron after coding-DNA position 1854, 3 bases deleted (GGG; older notation c.1854+30_1854+32delGGG).
Molecular consequence: intron variant.
Genome position (GRCh38, 1-based): chr15:75,400,008-75,400,010, CCC deleted on the plus strand (GGG on the coding strand, the reverse complement: SIN3A is on the minus strand); deleting any 3 consecutive bases within chr15:75,400,008-75,400,012 gives the same sequence; the c. name uses the placement nearest the transcript's 3' end. VCF-style (leftmost placement, unchanged base first): chr15-75400007-TCCC-T. GRCh37 (hg19) VCF-style: chr15-75692348-TCCC-T.
Other names: c.1854+30_1854+32del (NM_001145357.2, NM_015477.3).
Identifiers: ClinVar variation 3796047 (VCV003796047.1).
Genomic context (GRCh38, chr15:75,400,007, plus strand): 5'-TCTTCCATCTTAATAACCCTCAGAGACAGGTACTGATAGTCTCACTGAGCATCTCCCATT[TCCC>T]CCAACTTCAAATGCCAAACAAGCTTGTACCTCAAAGCGTTCATCTTCACAACGATAAATA-3'